The following is an entry in ClinVar:

ClinVar aggregate classification (germline): Likely benign. Review status: criteria provided, single submitter (1 of 4 stars). 2 submissions from 2 submitters: Likely benign (1). 1 of the submissions does not count toward it. Last evaluated 2025-09-03.

Conditions:
KSR2-related disorder. Also called: KSR2-related condition.

Submissions (2):

Labcorp Genetics (formerly Invitae), Labcorp
Classification: Likely benign. Last evaluated: 2025-09-03. Review status: criteria provided, single submitter. Criteria: Invitae Variant Classification Sherloc (09022015). Collection method: clinical testing. Allele origin: germline.

PreventionGenetics, part of Exact Sciences
Classification: Likely benign for KSR2-related condition. Last evaluated: 2022-02-23. Review status: no assertion criteria provided. Collection method: clinical testing. Allele origin: germline. Not counted in ClinVar's aggregate classification.
Comment: This variant is classified as likely benign based on ACMG/AMP sequence variant interpretation guidelines (Richards et al. 2015 PMID: 25741868, with internal and published modifications).

NM_173598.6(KSR2):c.711G>C (p.Pro237=)

Gene: KSR2 (kinase suppressor of ras 2; minus strand). Cytogenetic location: 12q24.23.
Variant type: single nucleotide variant.
Coding change: c.711G>C on transcript NM_173598.6 (MANE Select); coding-DNA position 711, G replaced by C.
Protein change: p.Pro237=; no amino-acid change (proline 237 retained).
Molecular consequence: synonymous variant.
Genome position (GRCh38, 1-based): chr12:117,761,286, C>G on the plus strand (G>C on the coding strand, the complement: KSR2 is on the minus strand). VCF-style: chr12-117761286-C-G. GRCh37 (hg19) VCF-style: chr12-118199091-C-G.
Identifiers: ClinVar variation 3061588 (VCV003061588.3), dbSNP rs749850024, ClinGen allele CA6816272.